The following is an entry in ClinVar:

NM_006016.6(CD164):c.173C>T (p.Pro58Leu)

Gene: CD164 (CD164 molecule; minus strand). Cytogenetic location: 6q21.
Variant type: single nucleotide variant.
Coding change: c.173C>T on transcript NM_006016.6 (MANE Select); coding-DNA position 173, C replaced by T.
Protein change: p.Pro58Leu; replaces proline 58 with leucine.
Molecular consequence: missense variant.
Genome position (GRCh38, 1-based): chr6:109,382,206, G>A on the plus strand (C>T on the coding strand, the complement: CD164 is on the minus strand). VCF-style: chr6-109382206-G-A. GRCh37 (hg19) VCF-style: chr6-109703409-G-A.
Other names: c.173C>T, p.Pro58Leu (NM_001142401.3, NM_001142402.3, NM_001142403.3 and 1 more transcripts); short protein forms P58L.
Identifiers: ClinVar variation 4708389 (VCV004708389.1).
Genomic context (GRCh38, chr6:109,382,206, plus strand): 5'-AGGCAGTGCGGCTCGGCTGGGCAGGGGAGGGCGGGAAGCCCACAGGGCCCGCGCCCACCT[G>A]GTGCCGGAGTGGTGACCAGCGGGAGGGACGTCACCGGCGCCGAGGTTACGTTGGAGATGG-3'
Protein context (NP_006007.2, residues 48-68): TSLPLVTTPA[Pro58Leu]ETCEGRNSCV

ClinVar aggregate classification (germline): Uncertain significance (1 of 4 stars; one submission).

gnomAD v4.1: 3 of 1,554,508 alleles (0.00019%); highest among the groups gnomAD compares: African/African-American, 0.0014%; no homozygotes.

Submission:

Labcorp Genetics (formerly Invitae), Labcorp
Classification: Uncertain significance. Last evaluated: 2025-10-06. Review status: criteria provided, single submitter. Criteria: Invitae Variant Classification Sherloc (09022015). Collection method: clinical testing. Allele origin: germline.
Comment: This sequence change replaces proline, which is neutral and non-polar, with leucine, which is neutral and non-polar, at codon 58 of the CD164 protein (p.Pro58Leu). This variant is not present in population databases (gnomAD no frequency). This variant has not been reported in the literature in individuals affected with CD164-related conditions. An algorithm developed to predict the effect of missense changes on protein structure and function outputs the following: PolyPhen-2: "Benign". The leucine amino acid residue is found in multiple mammalian species, which suggests that this missense change does not adversely affect protein function. In summary, the available evidence is currently insufficient to determine the role of this variant in disease. Therefore, it has been classified as a Variant of Uncertain Significance.